The following is an entry in ClinVar:

ClinVar aggregate classification (germline): Uncertain significance (1 of 4 stars; one submission).

Allele frequency attached by ClinVar (database versions not stated): gnomAD exomes below 0.00001; TOPMed below 0.00001; gnomAD 0.00001.
gnomAD v4.1: 4 of 1,603,074 alleles (0.00025%); highest among the groups gnomAD compares: East Asian, 0.0022%; no homozygotes.

Submission:

Labcorp Genetics (formerly Invitae), Labcorp
Classification: Uncertain significance. Last evaluated: 2021-08-27. Review status: criteria provided, single submitter. Criteria: Invitae Variant Classification Sherloc (09022015). Collection method: clinical testing. Allele origin: germline.
Comment: This sequence change replaces arginine with cysteine at codon 444 of the AP3B2 protein (p.Arg444Cys). The arginine residue is moderately conserved and there is a large physicochemical difference between arginine and cysteine. This variant is not present in population databases (ExAC no frequency). This variant has not been reported in the literature in individuals affected with AP3B2-related conditions. Algorithms developed to predict the effect of missense changes on protein structure and function are either unavailable or do not agree on the potential impact of this missense change (SIFT: "Deleterious"; PolyPhen-2: "Possibly Damaging"; Align-GVGD: "Class C15"). In summary, the available evidence is currently insufficient to determine the role of this variant in disease. Therefore, it has been classified as a Variant of Uncertain Significance.

NM_001278512.2(AP3B2):c.1330C>T (p.Arg444Cys)

Genes: AP3B2 (adaptor related protein complex 3 subunit beta 2; minus strand), CPEB1-AS1 (CPEB1 antisense RNA 1; plus strand). Cytogenetic location: 15q25.2.
Variant type: single nucleotide variant.
Coding change: c.1330C>T on transcript NM_001278512.2 (MANE Select); coding-DNA position 1330, C replaced by T.
Protein change: p.Arg444Cys; replaces arginine 444 with cysteine.
Molecular consequence: missense variant.
Genome position (GRCh38, 1-based): chr15:82,677,719, G>A on the plus strand (C>T on the coding strand, the complement: AP3B2 is on the minus strand). VCF-style: chr15-82677719-G-A. GRCh37 (hg19) VCF-style: chr15-83346471-G-A.
Other names: c.1234C>T, p.Arg412Cys (NM_001278511.2); c.1330C>T, p.Arg444Cys (NM_004644.5); short protein forms R412C, R444C.
Identifiers: ClinVar variation 1947434 (VCV001947434.2), dbSNP rs2048266783, ClinGen allele CA393316706.